The following is an entry in ClinVar:

NM_000153.4(GALC):c.909-4T>G

Gene: GALC (galactosylceramidase; minus strand). Cytogenetic location: 14q31.3.
Variant type: single nucleotide variant.
Coding change: c.909-4T>G on transcript NM_000153.4 (MANE Select); 4 bases into the intron before coding-DNA position 909, T replaced by G.
Molecular consequence: intron variant.
Genome position (GRCh38, 1-based): chr14:87,965,633, A>C on the plus strand (T>G on the coding strand, the complement: GALC is on the minus strand). VCF-style: chr14-87965633-A-C. GRCh37 (hg19) VCF-style: chr14-88431977-A-C.
Other names: p.?; c.831-4T>G (NM_001201402.2); c.840-4T>G (NM_001201401.2).
Identifiers: ClinVar variation 758984 (VCV000758984.13), dbSNP rs201884281, ClinGen allele CA7297200.

ClinVar aggregate classification (germline): Likely benign. Review status: criteria provided, multiple submitters, no conflicts (2 of 4 stars). 3 submissions from 3 submitters: Likely benign (3). Last evaluated 2026-01-28.

Conditions:
Galactosylceramide beta-galactosidase deficiency. Also called: GALACTOCEREBROSIDASE DEFICIENCY; GALC DEFICIENCY; GLOBOID CELL LEUKOENCEPHALOPATHY; Leukodystrophy, Globoid Cell; Krabbe Disease. Identifiers: Orphanet 487, MedGen C0023521, MONDO:0009499, OMIM 245200.

Allele frequency attached by ClinVar (database versions not stated): ESP Exome Variant Server 0.00008; gnomAD 0.00009; TOPMed 0.00009.

Submissions (3):

Labcorp Genetics (formerly Invitae), Labcorp
Classification: Likely benign for Galactosylceramide beta-galactosidase deficiency. Last evaluated: 2026-01-28. Review status: criteria provided, single submitter. Criteria: Invitae Variant Classification Sherloc (09022015). Collection method: clinical testing. Allele origin: germline.

Mayo Clinic Laboratories, Mayo Clinic
Classification: Likely benign. Last evaluated: 2025-11-26. Review status: criteria provided, single submitter. Criteria: ACMG Guidelines, 2015. Collection method: clinical testing. Allele origin: germline. Observed: 1 variant allele.
Comment: BS1, BP4, BP7

Fulgent Genetics
Classification: Likely benign for Galactosylceramide beta-galactosidase deficiency. Last evaluated: 2022-04-13. Review status: criteria provided, single submitter. Criteria: ACMG Guidelines, 2015. Collection method: clinical testing. Allele origin: unknown.